The following is an entry in ClinVar:

ClinVar aggregate classification (germline): Pathogenic (1 of 4 stars; one submission).

Submission:

Labcorp Genetics (formerly Invitae), Labcorp
Classification: Pathogenic. Last evaluated: 2023-09-08. Review status: criteria provided, single submitter. Criteria: Invitae Variant Classification Sherloc (09022015). Collection method: clinical testing. Allele origin: germline.
Comment: For these reasons, this variant has been classified as Pathogenic. This variant has not been reported in the literature in individuals affected with HPS5-related conditions. This variant is not present in population databases (gnomAD no frequency). This sequence change creates a premature translational stop signal (p.Glu489Alafs*16) in the HPS5 gene. It is expected to result in an absent or disrupted protein product. Loss-of-function variants in HPS5 are known to be pathogenic (PMID: 12548288, 15296495, 21833017, 26785811).

Literature cited by the submitters: PubMed 12548288; PubMed 15296495; PubMed 21833017; PubMed 26785811.

NM_181507.2(HPS5):c.1460_1463dup (p.Glu489fs)

Gene: HPS5 (HPS5 biogenesis of lysosomal organelles complex 2 subunit 2; minus strand). Cytogenetic location: 11p15.1.
Variant type: Duplication.
Coding change: c.1460_1463dup on transcript NM_181507.2 (MANE Select); coding-DNA positions 1460 to 1463, 4 bases duplicated (AGCA; older notation c.1460_1463dupAGCA).
Protein change: p.Glu489fs; shifts the reading frame from glutamic acid 489.
Molecular consequence: frameshift variant.
Genome position (GRCh38, 1-based): chr11:18,296,845-18,296,848, TGCT duplicated on the plus strand (AGCA on the coding strand, the reverse complement: HPS5 is on the minus strand). VCF-style (leftmost placement, unchanged base first): chr11-18296844-C-CTGCT. GRCh37 (hg19) VCF-style: chr11-18318391-C-CTGCT.
Other names: c.1118_1121dup, p.Glu375fs (NM_007216.4); c.1118_1121dup, p.Glu375Alafs (NM_181508.2); short protein forms E489fs, E375fs.
Identifiers: ClinVar variation 2856913 (VCV002856913.3), dbSNP rs2494736104, ClinGen allele CA2739276275.
Genomic context (GRCh38, chr11:18,296,844, plus strand): 5'-GACACATTCATCACCTTCATTTCCGTGTGAGCCACAACACTGATCTGGCAGGTCCTCTTC[C>CTGCT]TGCTGTGAGGTGAATTCTTTAAATCTCTCATCTTCTGAGAGGGTTTGGCTGTGAAGGGAG-3'